The following is an entry in ClinVar:

NM_020549.5(CHAT):c.580G>A (p.Val194Met)

Gene: CHAT (choline O-acetyltransferase; plus strand). Cytogenetic location: 10q11.23.
Variant type: single nucleotide variant.
Coding change: c.580G>A on transcript NM_020549.5 (MANE Select); coding-DNA position 580, G replaced by A.
Protein change: p.Val194Met; replaces valine 194 with methionine.
Molecular consequence: missense variant.
Genome position (GRCh38, 1-based): chr10:49,620,495, G>A. VCF-style: chr10-49620495-G-A. GRCh37 (hg19) VCF-style: chr10-50828541-G-A.
Other names: c.226G>A, p.Val76Met (NM_001142929.2, NM_001142934.2, NM_020984.4 and 2 more transcripts); c.334G>A, p.Val112Met (NM_001142933.2); short protein forms V112M, V194M, V76M.
Identifiers: ClinVar variation 3388289 (VCV003388289.14).

ClinVar aggregate classification (germline): Uncertain significance (1 of 4 stars; one submission).

gnomAD v4.1: 9 of 1,610,474 alleles (0.00056%); highest among the groups gnomAD compares: South Asian, 0.0022%; no homozygotes.

Submission:

CeGaT Center for Human Genetics Tuebingen
Classification: Uncertain significance. Last evaluated: 2024-10-01. Review status: criteria provided, single submitter. Criteria: CeGaT Center For Human Genetics Tuebingen Variant Classification Criteria Version 2. Collection method: clinical testing. Allele origin: germline. Affected: yes. Observed: 1 variant allele.
Comment: CHAT: PM2, PM5